The following is an entry in ClinVar:

NM_003680.4(YARS1):c.1543G>A (p.Gly515Ser)

Gene: YARS1 (tyrosyl-tRNA synthetase 1; minus strand). Cytogenetic location: 1p35.1.
Variant type: single nucleotide variant.
Coding change: c.1543G>A on transcript NM_003680.4 (MANE Select); coding-DNA position 1543, G replaced by A.
Protein change: p.Gly515Ser; replaces glycine 515 with serine.
Molecular consequence: missense variant.
Genome position (GRCh38, 1-based): chr1:32,776,025, C>T on the plus strand (G>A on the coding strand, the complement: YARS1 is on the minus strand). VCF-style: chr1-32776025-C-T. GRCh37 (hg19) VCF-style: chr1-33241626-C-T.
Other names: short protein forms G515S.
Identifiers: ClinVar variation 246479 (VCV000246479.7), dbSNP rs879254282, ClinGen allele CA10584147.

ClinVar aggregate classification (germline): Uncertain significance. Review status: criteria provided, multiple submitters, no conflicts (2 of 4 stars). 2 submissions from 2 submitters: Uncertain significance (2). Last evaluated 2021-08-16.

Conditions:
Charcot-Marie-Tooth disease dominant intermediate C (CMTDIC). Also called: CHARCOT-MARIE-TOOTH NEUROPATHY, DOMINANT INTERMEDIATE C. Identifiers: Orphanet 100045, MedGen C1842237, MONDO:0012012, OMIM 608323.

Allele frequency attached by ClinVar (database versions not stated): gnomAD exomes below 0.00001; TOPMed below 0.00001; gnomAD 0.00001.
gnomAD v4.1: 3 of 1,613,982 alleles (0.00019%); highest among the groups gnomAD compares: Non-Finnish European, 0.00025%; no homozygotes.

Submissions (2):

Labcorp Genetics (formerly Invitae), Labcorp
Classification: Uncertain significance for Charcot-Marie-Tooth disease dominant intermediate C. Last evaluated: 2021-08-16. Review status: criteria provided, single submitter. Criteria: Invitae Variant Classification Sherloc (09022015). Collection method: clinical testing. Allele origin: germline.
Comment: In summary, the available evidence is currently insufficient to determine the role of this variant in disease. Therefore, it has been classified as a Variant of Uncertain Significance. Algorithms developed to predict the effect of missense changes on protein structure and function are either unavailable or do not agree on the potential impact of this missense change (SIFT: "Not Available"; PolyPhen-2: "Benign"; Align-GVGD: "Not Available"). ClinVar contains an entry for this variant (Variation ID: 246479). This variant has not been reported in the literature in individuals affected with YARS-related conditions. This variant is not present in population databases (ExAC no frequency). This sequence change replaces glycine with serine at codon 515 of the YARS protein (p.Gly515Ser). The glycine residue is highly conserved and there is a small physicochemical difference between glycine and serine.

GeneDx
Classification: Uncertain significance. Last evaluated: 2016-03-09. Review status: criteria provided, single submitter. Criteria: GeneDx Variant Classification (06012015). Collection method: clinical testing. Allele origin: germline. Affected: yes.
Comment: The G515S variant in the YARS gene has not been reported previously as a pathogenic variant, nor as a benign variant, to our knowledge. The G515S variant was not observed in approximately 6500 individuals of European and African American ancestry in the NHLBI Exome Sequencing Project, indicating it is not a common benign variant in these populations. The G515S variant is a non-conservative amino acid substitution, which is likely to impact secondary protein structure as these residues differ in polarity, charge, size and/or other properties. This substitution occurs at a position that is conserved across species. In silico analysis predicts this variant is probably damaging to the protein structure/function. We interpret G515S as a variant of uncertain significance